The following is an entry in ClinVar:

ClinVar aggregate classification (germline): Uncertain significance. Review status: criteria provided, single submitter (1 of 4 stars). 2 submissions from 2 submitters: Uncertain significance (1). 1 of the submissions does not count toward it. Last evaluated 2020-02-07.

Conditions:
Marfan syndrome (MFS). Also called: MARFAN SYNDROME, TYPE I; FBN1-Related Marfan Syndrome; Marfan syndrome type 1; Marfan's syndrome; Marfan syndrome, classic. Identifiers: Orphanet 284963, Orphanet 558, MedGen C0024796, MONDO:0007947, OMIM 154700.
Familial thoracic aortic aneurysm and aortic dissection (TAAD). Also called: Thoracic aortic aneurysms and dissections. Identifiers: Orphanet 91387, MedGen C4707243, MONDO:0019625.

Submissions (2):

Labcorp Genetics (formerly Invitae), Labcorp
Classification: Uncertain significance for Marfan syndrome; Familial thoracic aortic aneurysm and aortic dissection. Last evaluated: 2020-02-07. Review status: criteria provided, single submitter. Criteria: Invitae Variant Classification Sherloc (09022015). Collection method: clinical testing. Allele origin: germline.
Comment: In summary, this variant is a rare intronic change with uncertain impact on splicing. While it is absent from the population and reported in affected individuals, the available evidence is currently insufficient to determine its role in disease. Therefore, it has been classified as a Variant of Uncertain Significance. Algorithms developed to predict the effect of sequence changes on RNA splicing suggest that this variant may alter RNA splicing, but this prediction has not been confirmed by published transcriptional studies. This variant has been reported an individual with incomplete Marfan syndrome and an individual with ectopia lentis (PMID: 17657824, Invitae). This variant is not present in population databases (rs140633, ExAC no frequency). This sequence change falls in intron 37 of the FBN1 gene. It does not directly change the encoded amino acid sequence of the FBN1 protein, but it affects a nucleotide within the consensus splice site of the intron.

Center for Medical Genetics Ghent, University of Ghent
Classification: Uncertain significance for Marfan syndrome. Last evaluated: 2017-11-07. Review status: no assertion criteria provided. Collection method: clinical testing. Allele origin: germline. Affected: yes. Not counted in ClinVar's aggregate classification.

Literature cited by the submitters: PubMed 17657824 (cited by Labcorp Genetics (formerly Invitae), Labcorp).

NM_000138.5(FBN1):c.4582+5G>C

Gene: FBN1 (fibrillin 1; minus strand). Cytogenetic location: 15q21.1.
Variant type: single nucleotide variant.
Coding change: c.4582+5G>C on transcript NM_000138.5 (MANE Select); 5 bases into the intron after coding-DNA position 4582, G replaced by C.
Molecular consequence: intron variant.
Genome position (GRCh38, 1-based): chr15:48,468,407, C>G on the plus strand (G>C on the coding strand, the complement: FBN1 is on the minus strand). VCF-style: chr15-48468407-C-G. GRCh37 (hg19) VCF-style: chr15-48760604-C-G.
Identifiers: ClinVar variation 457219 (VCV000457219.8), dbSNP rs140633, ClinGen allele CA269552251.
Genomic context (GRCh38, chr15:48,468,407, plus strand): 5'-TTTGGTGCTGTTTTCAAAATAATACACAGTATGCTTGCTTCTCTGAAAAGTTTTTAAGGT[C>G]TTACCAACACAGCCAACTCGAGTTGGGTTCAGTTCAAAATCAGGTGGGCAGTCACAGATA-3'